The following is an entry in ClinVar:

NM_052867.4(NALCN):c.4783C>T (p.His1595Tyr)

Gene: NALCN (sodium leak channel, non-selective; minus strand). Cytogenetic location: 13q32.3.
Variant type: single nucleotide variant.
Coding change: c.4783C>T on transcript NM_052867.4 (MANE Select); coding-DNA position 4783, C replaced by T.
Protein change: p.His1595Tyr; replaces histidine 1595 with tyrosine.
Molecular consequence: missense variant.
Genome position (GRCh38, 1-based): chr13:101,059,940, G>A on the plus strand (C>T on the coding strand, the complement: NALCN is on the minus strand). VCF-style: chr13-101059940-G-A. GRCh37 (hg19) VCF-style: chr13-101712292-G-A.
Other names: c.4870C>T, p.His1624Tyr (NM_001350748.2); c.4783C>T, p.His1595Tyr (NM_001350749.2); c.4696C>T, p.His1566Tyr (NM_001350750.2, NM_001350751.2); short protein forms H1566Y, H1595Y, H1624Y.
Identifiers: ClinVar variation 1702824 (VCV001702824.2), dbSNP rs1220753809, ClinGen allele CA388644243.
Genomic context (GRCh38, chr13:101,059,940, plus strand): 5'-CGATGCTGGGCGGGTTCAGAAACCGGCTCAGCTCTTGCTGCTGACTCTCTCTCAGGCTGT[G>A]GATGATACTGCACGACTGCTGCTGTTTCTATGGAAATGCGATTGTTTGTTCAGTAAAATA-3'
Protein context (NP_443099.1, residues 1585-1605): AKQQQSCSII[His1595Tyr]SLRESQQQEL

ClinVar aggregate classification (germline): Uncertain significance (1 of 4 stars; one submission).

Allele frequency attached by ClinVar (database versions not stated): TOPMed below 0.00001; gnomAD 0.00001.

Submission:

GeneDx
Classification: Uncertain significance. Last evaluated: 2022-02-21. Review status: criteria provided, single submitter. Criteria: GeneDx Variant Classification Process June 2021. Collection method: clinical testing. Allele origin: germline. Affected: yes.
Comment: In silico analysis supports that this missense variant does not alter protein structure/function; Has not been previously published as pathogenic or benign to our knowledge